The following continues an entry in ClinVar:

NM_000152.5(GAA):c.1309C>T (p.Arg437Cys)

Gene: GAA. ClinVar aggregate classification (germline): Pathogenic. Pathogenic (1).

Submissions 9 to 14 of 14:

Johns Hopkins Genomics, Johns Hopkins University
Classification: Pathogenic for Glycogen storage disease, type II. Last evaluated: 2020-05-21. Review status: criteria provided, single submitter. Criteria: ACMG Guidelines, 2015. Collection method: clinical testing. Allele origin: germline. Not counted in ClinVar's aggregate classification.

Women's Health and Genetics/Laboratory Corporation of America, LabCorp
Classification: Pathogenic for Glycogen storage disease, type II. Last evaluated: 2020-05-05. Review status: criteria provided, single submitter. Criteria: LabCorp Variant Classification Summary - May 2015. Collection method: clinical testing. Allele origin: germline. Not counted in ClinVar's aggregate classification.
Comment: Variant summary: GAA c.1309C>T (p.Arg437Cys) results in a non-conservative amino acid change in the encoded protein sequence. Five of five in-silico tools predict a damaging effect of the variant on protein function. The variant allele was found at a frequency of 4.6e-06 in 217456 control chromosomes. c.1309C>T has been reported in the literature in multiple individuals affected with Glycogen Storage Disease, Type 2 (Pompe Disease). These data indicate that the variant is very likely to be associated with disease. At least one publication reports experimental evidence evaluating an impact on protein function. The most pronounced variant effect results in <10% of wild-type enzyme activity (Tajima_2007). One clinical diagnostic laboratory has submitted clinical-significance assessments for this variant to ClinVar after 2014 without evidence for independent evaluation. One laboratory classified the variant as pathogenic. Based on the evidence outlined above, the variant was classified as pathogenic.

Broad Center for Mendelian Genomics, Broad Institute of MIT and Harvard
Classification: Pathogenic for Glycogen storage disease, type II. Last evaluated: 2020-01-22. Review status: criteria provided, single submitter. Criteria: ACMG Guidelines, 2015. Collection method: curation. Allele origin: germline. Inheritance: Autosomal recessive inheritance. Not counted in ClinVar's aggregate classification.
Comment: The p.Arg437Cys variant in GAA has been reported in 13 individuals (including 7 Japanese, 3 Chinese, and 2 Korean) with Glycogen Storage Disease II, segregated with disease in 2 affected siblings from 1 family (PMID: 18495398, 22521436, 12601120, 23884227, 24169249, 25388776, 21984055, 25526786, 17805474, 24190153, 24872213, 21704464), and has also been reported likely pathogenic by Counsyl and pathogenic by Invitae in ClinVar (Variation ID: 189082). This variant has been identified in 0.009% (2/21914) of African chromosomes by the Genome Aggregation Database (gnomAD; dbSNP rs770610356). Although this variant has been seen in the general population, its frequency is low enough to be consistent with a recessive carrier frequency. In vitro functional studies with a minigene assay provide some evidence that the p.Arg437Cys variant may impact GAA activity and levels (PMID: 19862843). However, these types of assays may not accurately represent biological function. Computational prediction tools and conservation analyses suggest that this variant may impact the protein, though this information is not predictive enough to determine pathogenicity. However, the Arginine (Arg) at position 437 is not conserved in mammals or evolutionary distant species, raising the possibility that a change at this position may be tolerated. The presence of this variant in combination with reported pathogenic variants and in individuals with Glycogen Storage Disease II increases the likelihood that the p.Arg437Cys variant is pathogenic (PMID: 22521436, 12601120, 17805474). One additional variant at the same position, p.Arg437His, has been reported as a VUS in ClinVar (Variation ID: 456374). The phenotype of an individual homozygous for this variant is highly specific for Glycogen Storage Disease II based on low GAA activity, consistent with disease (PMID: 12601120, 17805474, 22521436). In summary, this variant meets criteria to be classified as pathogenic for Glycogen Storage Disease II in an autosomal recessive manner based on multiple occurrences with pathogenic and likely pathogenic variants in individuals with Glycogen Storage Disease II and evidence from in vitro functional studies. ACMG/AMP Criteria applied: PM3_Strong, PS3, PM2, PP3, PP4 (Richards 2015).

Blueprint Genetics
Classification: Pathogenic for GAA-related disorders. Last evaluated: 2020-01-15. Review status: criteria provided, single submitter. Criteria: ACMG Guidelines, 2015. Collection method: clinical testing. Allele origin: germline. Affected: yes. Observed: 2 variant alleles. Not counted in ClinVar's aggregate classification.

Centre for Mendelian Genomics, University Medical Centre Ljubljana
Classification: Likely pathogenic for Glycogen storage disease, type II. Last evaluated: 2019-01-01. Review status: criteria provided, single submitter. Criteria: ACMG Guidelines, 2015. Collection method: clinical testing. Allele origin: unknown. Affected: yes. Not counted in ClinVar's aggregate classification.
Comment: This variant was classified as: Likely pathogenic. The following ACMG criteria were applied in classifying this variant: PS1,PM2.

Counsyl
Classification: Likely pathogenic for Glycogen storage disease, type II. Last evaluated: 2014-12-10. Review status: no assertion criteria provided. Collection method: literature only. Allele origin: unknown. Inheritance: Autosomal recessive inheritance. Not counted in ClinVar's aggregate classification.

Literature cited by the submitters: PubMed 19862843 (cited by 3 submitters); PubMed 39010129 (cited by Genomenon, Inc); PubMed 21940687 (cited by 3 submitters); PubMed 28754168 (cited by Genomenon, Inc); PubMed 29786057 (cited by Genomenon, Inc); PubMed 12601120 (cited by 7 submitters); PubMed 29124014 (cited by 3 submitters); PubMed 17805474 (cited by 6 submitters); PubMed 24872213 (cited by Genomenon, Inc and Broad Center for Mendelian Genomics, Broad Institute of MIT and Harvard); PubMed 18495398 (cited by 3 submitters); PubMed 25526786 (cited by 3 submitters); PubMed 22521436 (cited by 3 submitters); PubMed 24190153 (cited by 3 submitters); PubMed 21984055 (cited by Broad Center for Mendelian Genomics, Broad Institute of MIT and Harvard and Counsyl); PubMed 21704464 (cited by Broad Center for Mendelian Genomics, Broad Institute of MIT and Harvard and Counsyl); PubMed 25388776 (cited by Broad Center for Mendelian Genomics, Broad Institute of MIT and Harvard and Counsyl); PubMed 24169249 (cited by Broad Center for Mendelian Genomics, Broad Institute of MIT and Harvard and Counsyl); PubMed 23884227 (cited by Broad Center for Mendelian Genomics, Broad Institute of MIT and Harvard and Counsyl); PubMed 21471980 (cited by Counsyl).